The following is an entry in ClinVar:

NM_152424.4(AMER1):c.1720C>T (p.Arg574Trp)

Gene: AMER1 (APC membrane recruitment protein 1; minus strand). Cytogenetic location: Xq11.2.
Variant type: single nucleotide variant.
Coding change: c.1720C>T on transcript NM_152424.4 (MANE Select); coding-DNA position 1720, C replaced by T.
Protein change: p.Arg574Trp; replaces arginine 574 with tryptophan.
Molecular consequence: missense variant.
Genome position (GRCh38, 1-based): chrX:64,191,567, G>A on the plus strand (C>T on the coding strand, the complement: AMER1 is on the minus strand). VCF-style: chrX-64191567-G-A. GRCh37 (hg19) VCF-style: chrX-63411447-G-A.
Other names: c.1720C>T (NM_152424.3); short protein forms R574W.
Identifiers: ClinVar variation 2971647 (VCV002971647.4), dbSNP rs754938624, ClinGen allele CA10432299.

ClinVar aggregate classification (germline): Conflicting classifications of pathogenicity. Review status: criteria provided, conflicting classifications (1 of 4 stars). 2 submissions from 2 submitters: Uncertain significance (1); Likely benign (1). Last evaluated 2025-03-18.

Conditions:
Inborn genetic diseases. Identifiers: MedGen C0950123, MeSH D030342.

Allele frequency attached by ClinVar (database versions not stated): gnomAD exomes 0.00001; TOPMed 0.00008; ExAC 0.00002; gnomAD 0.00004.
gnomAD v4.1: 17 of 1,210,779 alleles (0.0014%); highest among the groups gnomAD compares: African/African-American, 0.0087%; no homozygotes.

Submissions (2):

Labcorp Genetics (formerly Invitae), Labcorp
Classification: Uncertain significance. Last evaluated: 2025-03-18. Review status: criteria provided, single submitter. Criteria: Invitae Variant Classification Sherloc (09022015). Collection method: clinical testing. Allele origin: germline.
Comment: This sequence change replaces arginine, which is basic and polar, with tryptophan, which is neutral and slightly polar, at codon 574 of the AMER1 protein (p.Arg574Trp). This variant is present in population databases (rs754938624, gnomAD 0.02%), including at least one homozygous and/or hemizygous individual. This variant has not been reported in the literature in individuals affected with AMER1-related conditions. ClinVar contains an entry for this variant (Variation ID: 2971647). An algorithm developed to predict the effect of missense changes on protein structure and function (PolyPhen-2) suggests that this variant is likely to be disruptive. In summary, the available evidence is currently insufficient to determine the role of this variant in disease. Therefore, it has been classified as a Variant of Uncertain Significance.

Ambry Genetics
Classification: Likely benign for Inborn genetic diseases. Last evaluated: 2023-10-24. Review status: criteria provided, single submitter. Criteria: Ambry Variant Classification Scheme 2023. Collection method: clinical testing. Allele origin: germline.